The following is an entry in ClinVar:

NM_015205.3(ATP11A):c.1509G>A (p.Val503=)

Gene: ATP11A (ATPase phospholipid transporting 11A; plus strand). Cytogenetic location: 13q34.
Variant type: single nucleotide variant.
Coding change: c.1509G>A on transcript NM_015205.3 (MANE Select); coding-DNA position 1509, G replaced by A.
Protein change: p.Val503=; no amino-acid change (valine 503 retained).
Molecular consequence: synonymous variant.
Genome position (GRCh38, 1-based): chr13:112,832,973, G>A. VCF-style: chr13-112832973-G-A. GRCh37 (hg19) VCF-style: chr13-113487287-G-A.
Other names: c.1509G>A, p.Val503= (NM_001405661.1, NM_001405662.1, NM_001405663.1 and 1 more transcripts).
Identifiers: ClinVar variation 4821589 (VCV004821589.4).

ClinVar aggregate classification (germline): Likely benign (1 of 4 stars; one submission).

gnomAD v4.1: 13 of 1,613,876 alleles (0.00081%); highest among the groups gnomAD compares: South Asian, 0.0077%; no homozygotes.

Submission:

CeGaT Center for Human Genetics Tuebingen
Classification: Likely benign. Last evaluated: 2026-01-01. Review status: criteria provided, single submitter. Criteria: CeGaT Center For Human Genetics Tuebingen Variant Classification Criteria Version 2. Collection method: clinical testing. Allele origin: germline. Affected: yes. Observed: 1 variant allele.
Comment: ATP11A: BP4, BP7